The following is an entry in ClinVar:

NM_019888.3(MC3R):c.770C>A (p.Pro257His)

Gene: MC3R (melanocortin 3 receptor; plus strand). Cytogenetic location: 20q13.2.
Variant type: single nucleotide variant.
Coding change: c.770C>A on transcript NM_019888.3 (MANE Select); coding-DNA position 770, C replaced by A.
Protein change: p.Pro257His; replaces proline 257 with histidine.
Molecular consequence: missense variant.
Genome position (GRCh38, 1-based): chr20:56,249,613, C>A. VCF-style: chr20-56249613-C-A. GRCh37 (hg19) VCF-style: chr20-54824669-C-A.
Other names: short protein forms P257H.
Identifiers: ClinVar variation 3603491 (VCV003603491.3).

ClinVar aggregate classification (germline): Uncertain significance. Review status: criteria provided, multiple submitters, no conflicts (2 of 4 stars). 2 submissions from 2 submitters: Uncertain significance (2). Last evaluated 2025-05-09.

Conditions:
MC3R-related disorder. Also called: MC3R-related condition.

Submissions (2):

PreventionGenetics, part of Exact Sciences
Classification: Uncertain significance for MC3R-related condition. Last evaluated: 2025-05-09. Review status: criteria provided, single submitter. Criteria: ACMG Guidelines, 2015. Collection method: clinical testing. Allele origin: germline.
Comment: The MC3R c.770C>A variant is predicted to result in the amino acid substitution p.Pro257His. To our knowledge, this variant has not been reported in a patient with obesity. In a study of missense variants in MC3R, this variant was predicted by various in silico methods to be functionally damaging (Singh et al. 2017. PubMed ID: 28073065). This variant is reported in 0.0039% of alleles in individuals of European (Non-Finnish) descent in gnomAD. At this time, the clinical significance of this variant is uncertain due to the absence of conclusive functional and genetic evidence.

Labcorp Genetics (formerly Invitae), Labcorp
Classification: Uncertain significance. Last evaluated: 2024-09-01. Review status: criteria provided, single submitter. Criteria: Invitae Variant Classification Sherloc (09022015). Collection method: clinical testing. Allele origin: germline.
Comment: This sequence change replaces proline, which is neutral and non-polar, with histidine, which is basic and polar, at codon 257 of the MC3R protein (p.Pro257His). This variant is present in population databases (rs144166442, gnomAD 0.004%). This variant has not been reported in the literature in individuals affected with MC3R-related conditions. An algorithm developed to predict the effect of missense changes on protein structure and function (PolyPhen-2) suggests that this variant is likely to be disruptive. In summary, the available evidence is currently insufficient to determine the role of this variant in disease. Therefore, it has been classified as a Variant of Uncertain Significance.